The following is an entry in ClinVar:

ClinVar aggregate classification (germline): Pathogenic (1 of 4 stars; one submission).

Conditions:
Short-rib thoracic dysplasia 6 with or without polydactyly (SRTD6). Also called: POLYDACTYLY WITH NEONATAL CHONDRODYSTROPHY, TYPE II; SHORT-RIB THORACIC DYSPLASIA 6 WITH POLYDACTYLY; SHORT-RIB THORACIC DYSPLASIA 6 WITHOUT POLYDACTYLY; Majewski Syndrome; SHORT RIB-POLYDACTYLY SYNDROME, TYPE IIA. Identifiers: MedGen C0024507, MONDO:0009894, OMIM 263520.

Submission:

Labcorp Genetics (formerly Invitae), Labcorp
Classification: Pathogenic for Short-rib thoracic dysplasia 6 with or without polydactyly. Last evaluated: 2025-03-03. Review status: criteria provided, single submitter. Criteria: Invitae Variant Classification Sherloc (09022015). Collection method: clinical testing. Allele origin: germline.
Comment: This sequence change creates a premature translational stop signal (p.Glu634Glyfs*12) in the NEK1 gene. It is expected to result in an absent or disrupted protein product. Loss-of-function variants in NEK1 are known to be pathogenic (PMID: 22499340, 29068549). This variant is not present in population databases (gnomAD no frequency). This variant has not been reported in the literature in individuals affected with NEK1-related conditions. ClinVar contains an entry for this variant (Variation ID: 1418443). For these reasons, this variant has been classified as Pathogenic.

Literature cited by the submitters: PubMed 22499340; PubMed 29068549.

NM_001199397.3(NEK1):c.1984dup (p.Glu662fs)

Gene: NEK1 (NIMA related kinase 1; minus strand). Cytogenetic location: 4q33.
Variant type: Duplication.
Coding change: c.1984dup on transcript NM_001199397.3 (MANE Select); coding-DNA position 1984, one base duplicated (G; older notation c.1984dupG).
Protein change: p.Glu662fs; shifts the reading frame from glutamic acid 662.
Molecular consequence: frameshift variant. On other transcripts: non-coding transcript variant (1), intron variant (1).
Genome position (GRCh38, 1-based): chr4:169,507,060, C duplicated on the plus strand (G on the coding strand, the reverse complement: NEK1 is on the minus strand). VCF-style (leftmost placement, unchanged base first): chr4-169507059-T-TC. GRCh37 (hg19) VCF-style: chr4-170428210-T-TC.
Other names: c.1852dup, p.Glu618fs (NM_001199398.3); c.1693dup, p.Glu565fs (NM_001199399.3); c.1768dup, p.Glu590fs (NM_001199400.3); c.1984dup, p.Glu662fs (NM_001374418.1); c.1900dup, p.Glu634fs (NM_001374419.1, NM_012224.4); c.1849dup, p.Glu617fs (NM_001374420.1); c.1701+655dup (NM_001374421.1); short protein forms E634fs, E565fs, E590fs, E617fs, E618fs, E662fs.
Identifiers: ClinVar variation 1418443 (VCV001418443.6), dbSNP rs2149690411, ClinGen allele CA2573138159.